The following is an entry in ClinVar:

NM_001378328.1(CELSR1):c.1807C>G (p.Arg603Gly)

Gene: CELSR1 (cadherin EGF LAG seven-pass G-type receptor 1; minus strand). Cytogenetic location: 22q13.31.
Variant type: single nucleotide variant.
Coding change: c.1807C>G on transcript NM_001378328.1 (MANE Select); coding-DNA position 1807, C replaced by G.
Protein change: p.Arg603Gly; replaces arginine 603 with glycine.
Molecular consequence: missense variant.
Genome position (GRCh38, 1-based): chr22:46,535,364, G>C on the plus strand (C>G on the coding strand, the complement: CELSR1 is on the minus strand). VCF-style: chr22-46535364-G-C. GRCh37 (hg19) VCF-style: chr22-46931261-G-C.
Other names: c.1807C>G, p.Arg603Gly (NM_014246.4); short protein forms R603G.
Identifiers: ClinVar variation 2662251 (VCV002662251.1), dbSNP rs1602254068, ClinGen allele CA411948503.

ClinVar aggregate classification (germline): Uncertain significance (1 of 4 stars; one submission).

Submission:

GeneDx
Classification: Uncertain significance. Last evaluated: 2023-05-15. Review status: criteria provided, single submitter. Criteria: GeneDx Variant Classification Process June 2021. Collection method: clinical testing. Allele origin: germline. Affected: yes.
Comment: Not observed at significant frequency in large population cohorts (gnomAD); In silico analysis supports that this missense variant has a deleterious effect on protein structure/function; Has not been previously published as pathogenic or benign to our knowledge